The following is an entry in ClinVar:

NM_182961.4(SYNE1):c.6724T>A (p.Ser2242Thr)

Genes: SYNE1 (spectrin repeat containing nuclear envelope protein 1; minus strand), SYNE1-AS2 (SYNE1 antisense RNA 2; plus strand). Cytogenetic location: 6q25.2.
Variant type: single nucleotide variant.
Coding change: c.6724T>A on transcript NM_182961.4 (MANE Select); coding-DNA position 6724, T replaced by A.
Protein change: p.Ser2242Thr; replaces serine 2242 with threonine.
Molecular consequence: missense variant.
Genome position (GRCh38, 1-based): chr6:152,404,314, A>T on the plus strand (T>A on the coding strand, the complement: SYNE1 is on the minus strand). VCF-style: chr6-152404314-A-T. GRCh37 (hg19) VCF-style: chr6-152725449-A-T.
Other names: c.6745T>A, p.Ser2249Thr (NM_033071.5); short protein forms S2242T, S2249T.
Identifiers: ClinVar variation 285689 (VCV000285689.12), dbSNP rs371609288, ClinGen allele CA4058000.

ClinVar aggregate classification (germline): Conflicting classifications of pathogenicity. Review status: criteria provided, conflicting classifications (1 of 4 stars). 5 submissions from 4 submitters: Uncertain significance (4); Likely benign (1). Last evaluated 2025-01-13.

Conditions:
Emery-Dreifuss muscular dystrophy 4, autosomal dominant (EDMD4). Also called: EMERY-DREIFUSS MUSCULAR DYSTROPHY 4 WITH VARIABLE FEATURES. Identifiers: Orphanet 261, MedGen C2751807, MONDO:0013071, OMIM 612998.
Autosomal recessive ataxia, Beauce type. Also called: Spinocerebellar ataxia, autosomal recessive 8; ATAXIA, RECESSIVE, OF BEAUCE; SYNE1-Related Autosomal Recessive Cerebellar Ataxia; SYNE1 Deficiency. Identifiers: Orphanet 88644, MedGen C1853116, MONDO:0012549, OMIM 610743.
SYNE1-related disorder. Also called: SYNE1-related disorders; SYNE1-related disease; SYNE1-related condition.

Allele frequency attached by ClinVar (database versions not stated): gnomAD 0.00001 and 0.00002; TOPMed 0.00002; gnomAD exomes 0.00003 and 0.00004; ExAC 0.00004; ESP Exome Variant Server 0.00008.
gnomAD v4.1: 65 of 1,608,392 alleles (0.004%); highest among the groups gnomAD compares: Middle Eastern, 0.077%; no homozygotes.

Submissions (5):

PreventionGenetics, part of Exact Sciences
Classification: Uncertain significance for SYNE1-related condition. Last evaluated: 2025-01-13. Review status: criteria provided, single submitter. Criteria: ACMG Guidelines, 2015. Collection method: clinical testing. Allele origin: germline.
Comment: The SYNE1 c.6745T>A variant is predicted to result in the amino acid substitution p.Ser2249Thr. To our knowledge, this variant has not been reported in the literature. This variant is reported in 0.0062% of alleles in individuals of European (Non-Finnish) descent in gnomAD. At this time, the clinical significance of this variant is uncertain due to the absence of conclusive functional and genetic evidence.

Labcorp Genetics (formerly Invitae), Labcorp
Classification: Uncertain significance for Emery-Dreifuss muscular dystrophy 4, autosomal dominant; Autosomal recessive ataxia, Beauce type. Last evaluated: 2022-09-01. Review status: criteria provided, single submitter. Criteria: Invitae Variant Classification Sherloc (09022015). Collection method: clinical testing. Allele origin: germline.
Comment: This sequence change replaces serine, which is neutral and polar, with threonine, which is neutral and polar, at codon 2249 of the SYNE1 protein (p.Ser2249Thr). This variant is present in population databases (rs371609288, gnomAD 0.006%). This variant has not been reported in the literature in individuals affected with SYNE1-related conditions. ClinVar contains an entry for this variant (Variation ID: 285689). Algorithms developed to predict the effect of missense changes on protein structure and function output the following: SIFT: "Deleterious"; PolyPhen-2: "Benign"; Align-GVGD: "Class C0". The threonine amino acid residue is found in multiple mammalian species, which suggests that this missense change does not adversely affect protein function. In summary, the available evidence is currently insufficient to determine the role of this variant in disease. Therefore, it has been classified as a Variant of Uncertain Significance.

Illumina Laboratory Services, Illumina
Classification: Likely benign for Emery-Dreifuss muscular dystrophy 4, autosomal dominant. Last evaluated: 2018-01-13. Review status: criteria provided, single submitter. Criteria: ICSL Variant Classification Criteria 13 December 2019. Collection method: clinical testing. Allele origin: germline.
Comment: This variant was observed in the ICSL laboratory as part of a predisposition screen in an ostensibly healthy population. It had not been previously curated by ICSL or reported in the Human Gene Mutation Database (HGMD: prior to June 1st, 2018), and was therefore a candidate for classification through an automated scoring system. Utilizing variant allele frequency, disease prevalence and penetrance estimates, and inheritance mode, an automated score was calculated to assess if this variant is too frequent to cause the disease. Based on the score and internal cut-off values, a variant classified as likely benign is not then subjected to further curation. The score for this variant resulted in a classification of likely benign for this disease.

Illumina Laboratory Services, Illumina
Classification: Uncertain significance for Autosomal recessive ataxia, Beauce type. Last evaluated: 2018-01-13. Review status: criteria provided, single submitter. Criteria: ICSL Variant Classification Criteria 13 December 2019. Collection method: clinical testing. Allele origin: germline.

Eurofins Ntd Llc (ga)
Classification: Uncertain significance. Last evaluated: 2017-12-22. Review status: criteria provided, single submitter. Criteria: EGL Classification Definitions 2015. Collection method: clinical testing. Allele origin: germline. Observed: 4 variant alleles, 4 heterozygotes.